The following is an entry in ClinVar:

NM_001145715.3(KPNA7):c.1524A>G (p.Ile508Met)

Gene: KPNA7 (karyopherin subunit alpha 7; minus strand). Cytogenetic location: 7q22.1.
Variant type: single nucleotide variant.
Coding change: c.1524A>G on transcript NM_001145715.3 (MANE Select); coding-DNA position 1524, A replaced by G.
Protein change: p.Ile508Met; replaces isoleucine 508 with methionine.
Molecular consequence: missense variant.
Genome position (GRCh38, 1-based): chr7:99,173,735, T>C on the plus strand (A>G on the coding strand, the complement: KPNA7 is on the minus strand). VCF-style: chr7-99173735-T-C. GRCh37 (hg19) VCF-style: chr7-98771358-T-C.
Other names: short protein forms I508M.
Identifiers: ClinVar variation 1406458 (VCV001406458.8), dbSNP rs2150692429, ClinGen allele CA368416835.

ClinVar aggregate classification (germline): Uncertain significance (1 of 4 stars; one submission).

Submission:

Labcorp Genetics (formerly Invitae), Labcorp
Classification: Uncertain significance. Last evaluated: 2022-02-04. Review status: criteria provided, single submitter. Criteria: Invitae Variant Classification Sherloc (09022015). Collection method: clinical testing. Allele origin: germline.
Comment: This variant is not present in population databases (gnomAD no frequency). In summary, the available evidence is currently insufficient to determine the role of this variant in disease. Therefore, it has been classified as a Variant of Uncertain Significance. Algorithms developed to predict the effect of missense changes on protein structure and function output the following: SIFT: "Tolerated"; PolyPhen-2: "Benign"; Align-GVGD: "Class C0". The methionine amino acid residue is found in multiple mammalian species, which suggests that this missense change does not adversely affect protein function. This variant has not been reported in the literature in individuals affected with KPNA7-related conditions. This sequence change replaces isoleucine, which is neutral and non-polar, with methionine, which is neutral and non-polar, at codon 508 of the KPNA7 protein (p.Ile508Met).